The following continues an entry in ClinVar:

NM_007294.4(BRCA1):c.5109T>G (p.Tyr1703Ter)

Gene: BRCA1. ClinVar aggregate classification (germline): Pathogenic. Pathogenic (1).

Submissions 12 to 20 of 20:

Women's Health and Genetics/Laboratory Corporation of America, LabCorp
Classification: Pathogenic for Hereditary breast ovarian cancer syndrome. Last evaluated: 2021-10-25. Review status: criteria provided, single submitter. Criteria: LabCorp Variant Classification Summary - May 2015. Collection method: clinical testing. Allele origin: germline. Not counted in ClinVar's aggregate classification.
Comment: Variant summary: BRCA1 c.5109T>G (p.Tyr1703X) results in a premature termination codon, predicted to cause a truncation of the encoded protein or absence of the protein due to nonsense mediated decay, which are commonly known mechanisms for disease. Truncations downstream of this position have been classified as pathogenic by our laboratory. The variant was absent in 251312 control chromosomes. c.5109T>G has been reported in the literature in multiple individuals affected with Hereditary Breast And Ovarian Cancer Syndrome (Judkins_2005, Tutt_2010,Adem_2002, Schroeder_2015, Eng_2001, Rebbeck_2018). These data indicate that the variant is very likely to be associated with disease. 11 clinical diagnostic laboratories, including 1 expert panel and 1 consortium, have submitted clinical-significance assessments for this variant to ClinVar after 2014 without evidence for independent evaluation. All laboratories classified the variant as pathogenic. Based on the evidence outlined above, the variant was classified as pathogenic.

Institute of Medical Genetics and Applied Genomics, University Hospital Tübingen
Classification: Pathogenic. Last evaluated: 2020-10-23. Review status: criteria provided, single submitter. Criteria: ACMG Guidelines, 2015. Collection method: clinical testing. Allele origin: germline. Inheritance: Unknown mechanism. Affected: yes. Not counted in ClinVar's aggregate classification.

Human Genome Sequencing Center Clinical Lab, Baylor College of Medicine
Classification: Pathogenic for Breast-ovarian cancer, familial, susceptibility to, 1. Last evaluated: 2017-03-10. Review status: criteria provided, single submitter. Criteria: ACMG Guidelines, 2015. Collection method: clinical testing. Allele origin: germline. Not counted in ClinVar's aggregate classification.
Comment: The c.5109T>G (p.Tyr1703*) variant has been reported in 18 patients in the Breast Cancer Information Core database. This variant was also reported in multiple patients in ClinVar and classified as a pathogenic variant by an expert panel This variant creates a premature stop codon at amino acid position 1703 of the BRCA1 protein and is thus predicted to result in a loss of function of the protein. The variant has not been detected in the ExAC database. This variant thus classified as pathogenic and actionable.

Consortium of Investigators of Modifiers of BRCA1/2 (CIMBA), c/o University of Cambridge
Classification: Pathogenic for Breast-ovarian cancer, familial, susceptibility to, 1. Last evaluated: 2015-10-02. Review status: criteria provided, single submitter. Criteria: CIMBA Mutation Classification guidelines May 2016. Collection method: clinical testing. Allele origin: germline. Not counted in ClinVar's aggregate classification.

Counsyl
Classification: Pathogenic for Breast-ovarian cancer, familial, susceptibility to, 1. Last evaluated: 2016-09-16. Review status: no assertion criteria provided. Collection method: clinical testing. Allele origin: unknown. Not counted in ClinVar's aggregate classification.

Research Molecular Genetics Laboratory, Women's College Hospital, University of Toronto
Classification: Pathogenic for Hereditary breast ovarian cancer syndrome. Last evaluated: 2014-01-31. Review status: no assertion criteria provided. Collection method: research. Allele origin: germline. Affected: yes. Study: The Canadian Open Genetics Repository (COGR). Not counted in ClinVar's aggregate classification.

Sharing Clinical Reports Project (SCRP)
Classification: Pathogenic for Breast-ovarian cancer, familial 1. Last evaluated: 2012-07-18. Review status: no assertion criteria provided. Collection method: clinical testing. Allele origin: germline. Not counted in ClinVar's aggregate classification.

Breast Cancer Information Core (BIC) (BRCA1)
Classification: Pathogenic for Breast-ovarian cancer, familial 1. Last evaluated: 2002-05-29. Review status: no assertion criteria provided. Collection method: clinical testing. Allele origin: germline. Affected: yes. Observed: 18 variant alleles. Not counted in ClinVar's aggregate classification.

Brotman Baty Institute, University of Washington
No classification provided (evidence only). Condition: Breast-ovarian cancer, familial 1. Review status: no classification provided. Collection method: in vitro. Allele origin: not applicable. Functional consequence: functionally_abnormal. Not counted in ClinVar's aggregate classification.
ClinVar note: "not provided" was previously submitted as the classification for the variant. However, the classification appeared to be based only on an observation of functional data so it was converted to no classification on 2025-07-30.

Literature cited by the submitters: PubMed 20104584 (cited by Labcorp Genetics (formerly Invitae), Labcorp); PubMed 11748305 (cited by 5 submitters); PubMed 12491499 (cited by 7 submitters); PubMed 19941162 (cited by 6 submitters); PubMed 11157798 (cited by Variantyx, Inc.); PubMed 28888541 (cited by Mayo Clinic Laboratories, Mayo Clinic); PubMed 29446198 (cited by 3 submitters); PubMed 30209399 (cited by Mayo Clinic Laboratories, Mayo Clinic); PubMed 31447099 (cited by Mayo Clinic Laboratories, Mayo Clinic); PubMed 31892343 (cited by Mayo Clinic Laboratories, Mayo Clinic); PubMed 32191290 (cited by Mayo Clinic Laboratories, Mayo Clinic); PubMed 34308104 (cited by Mayo Clinic Laboratories, Mayo Clinic); PubMed 36623239 (cited by Mayo Clinic Laboratories, Mayo Clinic); PubMed 38642551 (cited by Mayo Clinic Laboratories, Mayo Clinic); PubMed 20609467 (cited by 3 submitters); PubMed 26022348 (cited by Quest Diagnostics Nichols Institute San Juan Capistrano and Women's Health and Genetics/Laboratory Corporation of America, LabCorp); PubMed 16267036 (cited by Quest Diagnostics Nichols Institute San Juan Capistrano and Women's Health and Genetics/Laboratory Corporation of America, LabCorp); PubMed 26295337 (cited by Quest Diagnostics Nichols Institute San Juan Capistrano); PubMed 36926989 (cited by Quest Diagnostics Nichols Institute San Juan Capistrano); PubMed 12048272 (cited by Women's Health and Genetics/Laboratory Corporation of America, LabCorp).